The following is an entry in ClinVar:

NM_133259.4(LRPPRC):c.3040-4A>G

Gene: LRPPRC (leucine rich pentatricopeptide repeat containing; minus strand). Cytogenetic location: 2p21.
Variant type: single nucleotide variant.
Coding change: c.3040-4A>G on transcript NM_133259.4 (MANE Select); 4 bases into the intron before coding-DNA position 3040, A replaced by G.
Molecular consequence: intron variant.
Genome position (GRCh38, 1-based): chr2:43,918,137, T>C on the plus strand (A>G on the coding strand, the complement: LRPPRC is on the minus strand). VCF-style: chr2-43918137-T-C. GRCh37 (hg19) VCF-style: chr2-44145276-T-C.
Identifiers: ClinVar variation 289181 (VCV000289181.6), dbSNP rs746859840, ClinGen allele CA1638212.
Genomic context (GRCh38, chr2:43,918,137, plus strand): 5'-TTCTGTGGTTGAGGCTGACGAAGAATTCAGGGAATGTTTTTCATCTTCATACCACAACTT[T>C]AAAACAAAGTTATTCTGTTAAATAAAAACTGGTAATCTTTTCAATATAAAAGTAGGCTAA-3'

ClinVar aggregate classification (germline): Uncertain significance. Review status: criteria provided, multiple submitters, no conflicts (2 of 4 stars). 2 submissions from 2 submitters: Uncertain significance (2). Last evaluated 2022-06-03.

Allele frequency attached by ClinVar (database versions not stated): gnomAD exomes below 0.00001 and 0.00001; ExAC 0.00001.
gnomAD v4.1: 3 of 1,611,296 alleles (0.00019%); highest among the groups gnomAD compares: Admixed American, 0.0017%; no homozygotes.

Submissions (2):

Labcorp Genetics (formerly Invitae), Labcorp
Classification: Uncertain significance. Last evaluated: 2022-06-03. Review status: criteria provided, single submitter. Criteria: Invitae Variant Classification Sherloc (09022015). Collection method: clinical testing. Allele origin: germline.
Comment: This sequence change falls in intron 28 of the LRPPRC gene. It does not directly change the encoded amino acid sequence of the LRPPRC protein. This variant is present in population databases (rs746859840, gnomAD 0.006%). This variant has not been reported in the literature in individuals affected with LRPPRC-related conditions. ClinVar contains an entry for this variant (Variation ID: 289181). Algorithms developed to predict the effect of sequence changes on RNA splicing suggest that this variant may create or strengthen a splice site. In summary, the available evidence is currently insufficient to determine the role of this variant in disease. Therefore, it has been classified as a Variant of Uncertain Significance.

Eurofins Ntd Llc (ga)
Classification: Uncertain significance. Last evaluated: 2016-07-19. Review status: criteria provided, single submitter. Criteria: EGL Classification Definitions 2015. Collection method: clinical testing. Allele origin: germline. Observed: 1 variant allele, 1 heterozygote.